The following is an entry in ClinVar:

ClinVar aggregate classification (germline): Uncertain significance (1 of 4 stars; one submission).

Conditions:
Hereditary cancer-predisposing syndrome. Also called: Hereditary Cancer Syndrome; Hereditary neoplastic syndrome; Neoplastic Syndromes, Hereditary; Tumor predisposition. Identifiers: Orphanet 140162, MedGen C0027672, MeSH D009386, MONDO:0015356.

Submission:

Ambry Genetics
Classification: Uncertain significance for Hereditary cancer-predisposing syndrome. Last evaluated: 2021-09-28. Review status: criteria provided, single submitter. Criteria: Ambry Variant Classification Scheme 2023. Collection method: clinical testing. Allele origin: germline.
Comment: The p.G141V variant (also known as c.422G>T), located in coding exon 5 of the PMS2 gene, results from a G to T substitution at nucleotide position 422. The glycine at codon 141 is replaced by valine, an amino acid with dissimilar properties. This amino acid position is highly conserved in available vertebrate species. In addition, this alteration is predicted to be deleterious by in silico analysis. Since supporting evidence is limited at this time, the clinical significance of this alteration remains unclear.

NM_000535.7(PMS2):c.422G>T (p.Gly141Val)

Gene: PMS2 (PMS1 homolog 2, mismatch repair system component; minus strand). Cytogenetic location: 7p22.1.
Variant type: single nucleotide variant.
Coding change: c.422G>T on transcript NM_000535.7 (MANE Select); coding-DNA position 422, G replaced by T.
Protein change: p.Gly141Val; replaces glycine 141 with valine.
Molecular consequence: missense variant. On other transcripts: 5 prime UTR variant (2), non-coding transcript variant (1).
Genome position (GRCh38, 1-based): chr7:6,002,568, C>A on the plus strand (G>T on the coding strand, the complement: PMS2 is on the minus strand). VCF-style: chr7-6002568-C-A. GRCh37 (hg19) VCF-style: chr7-6042199-C-A.
Other names: c.17G>T, p.Gly6Val (NM_001018040.1, NM_001322003.2, NM_001322004.2 and 25 more transcripts); c.422G>T, p.Gly141Val (NM_001322006.2, NM_001322014.2, NM_001406869.1 and 8 more transcripts); c.104G>T, p.Gly35Val (NM_001322007.2, NM_001322008.2, NM_001406876.1 and 4 more transcripts); c.-463G>T (NM_001322011.2, NM_001322012.2); c.113G>T, p.Gly38Val (NM_001322015.2, NM_001406875.1, NM_001406877.1 and 6 more transcripts); c.608G>T, p.Gly203Val (NM_001406866.1); c.446G>T, p.Gly149Val (NM_001406868.1); short protein forms G203V, G141V, G35V, G6V, G149V, G38V.
Identifiers: ClinVar variation 1738892 (VCV001738892.2), dbSNP rs376931673, ClinGen allele CA366744382.